The following is an entry in ClinVar:

NM_152594.3(SPRED1):c.703A>C (p.Arg235=)

Gene: SPRED1 (sprouty related EVH1 domain containing 1; plus strand). Cytogenetic location: 15q14.
Variant type: single nucleotide variant.
Coding change: c.703A>C on transcript NM_152594.3 (MANE Select); coding-DNA position 703, A replaced by C.
Protein change: p.Arg235=; no amino-acid change (arginine 235 retained).
Molecular consequence: synonymous variant.
Genome position (GRCh38, 1-based): chr15:38,351,032, A>C. VCF-style: chr15-38351032-A-C. GRCh37 (hg19) VCF-style: chr15-38643233-A-C.
Identifiers: ClinVar variation 509070 (VCV000509070.2), dbSNP rs1177047281, ClinGen allele CA489922897.

ClinVar aggregate classification (germline): Likely benign. Review status: criteria provided, multiple submitters, no conflicts (2 of 4 stars). 2 submissions from 2 submitters: Likely benign (2). Last evaluated 2024-10-24.

Conditions:
Cardiovascular phenotype. Identifiers: MedGen CN230736.

Submissions (2):

Ambry Genetics
Classification: Likely benign for Cardiovascular phenotype. Last evaluated: 2024-10-24. Review status: criteria provided, single submitter. Criteria: Ambry Variant Classification Scheme 2023. Collection method: clinical testing. Allele origin: germline.

GeneDx
Classification: Likely benign. Last evaluated: 2017-04-28. Review status: criteria provided, single submitter. Criteria: GeneDx Variant Classification (06012015). Collection method: clinical testing. Allele origin: germline. Affected: yes.
Comment: This variant is considered likely benign or benign based on one or more of the following criteria: it is a conservative change, it occurs at a poorly conserved position in the protein, it is predicted to be benign by multiple in silico algorithms, and/or has population frequency not consistent with disease.